The following is an entry in ClinVar:

ClinVar aggregate classification (germline): Likely pathogenic. Review status: reviewed by expert panel (3 of 4 stars). 3 submissions from 3 submitters: Likely pathogenic (1). 2 of the submissions do not count toward it. Last evaluated 2026-04-09.

Conditions:
Pulmonary arterial hypertension. Identifiers: Orphanet 182090, MedGen C2973725, MeSH D000081029, MONDO:0015924, HP:0002092.
Pulmonary hypertension, primary, 1 (PPH1). Also called: Pulmonary hypertension, familial primary, 1, with or without HHT. Identifiers: Orphanet 422, MedGen C4552070, MONDO:0024533, OMIM 178600.

Submissions (3):

Clingen Pulmonary Hypertension Variant Curation Expert Panel, ClinGen
Classification: Likely pathogenic for Pulmonary arterial hypertension. Last evaluated: 2026-04-09. Review status: reviewed by expert panel. Criteria: ClinGen PH ACMG Specifications BMPR2 V2.0.0. Collection method: curation. Allele origin: germline. Inheritance: Autosomal dominant inheritance.
Comment: The BMPR2 c.1019T>C (p.Leu340Pro) variant is an exonic variant which is located in exon 8. This variant is absent from gnomAD v2.1.1 controls and v4.1 (PM2_supporting met). The variant is located in a well-established protein kinase domain (PM1_met) and has been identified in 3 apparently unrelated individuals with PAH to date (PMIDs 18356561, 19555857, 32581362; PS4_supporting met). BMPR2 has a low rate of benign missense variation and missense variants are a common mechanism of disease (PP2). In silico prediction is consistent with a pathogenic effect ((REVEL score 0.980 (>0.75; PP3 met)). PP1 was not assessed due to absence of co-segregation data. No other missense variants at the same amino acid have been reported for pulmonary arterial hypertension (PS1, PM5 not assessed). In summary, this variant meets the criteria to be classified as a likely pathogenic for pulmonary arterial hypertension based on the ACMG/AMP criteria applied, as specified by the ClinGen Pulmonary Hypertension VCEP: PM1, PM2_supporting, PP2, PP3, PS4_supporting (VCEP specification version 2.0, 1/30/2026).

NIHR Bioresource Rare Diseases, University of Cambridge
Classification: Pathogenic for Pulmonary arterial hypertension. Review status: no assertion criteria provided. Collection method: research. Allele origin: unknown. Affected: yes. Observed: 1 variant allele. Not counted in ClinVar's aggregate classification.

Rare Disease Genomics Group, St George's University of London
Classification: Pathogenic for Primary pulmonary hypertension. Review status: no assertion criteria provided. Collection method: literature only. Allele origin: germline. Affected: yes. Not counted in ClinVar's aggregate classification.

Literature cited by the submitters: PubMed 32581362 (cited by NIHR Bioresource Rare Diseases, University of Cambridge); PubMed 19555857 (cited by Rare Disease Genomics Group, St George's University of London).

NM_001204.7(BMPR2):c.1019T>C (p.Leu340Pro)

Gene: BMPR2 (bone morphogenetic protein receptor type 2; plus strand). Cytogenetic location: 2q33.2.
Variant type: single nucleotide variant.
Coding change: c.1019T>C on transcript NM_001204.7 (MANE Select); coding-DNA position 1019, T replaced by C.
Protein change: p.Leu340Pro; replaces leucine 340 with proline.
Molecular consequence: missense variant.
Genome position (GRCh38, 1-based): chr2:202,530,845, T>C. VCF-style: chr2-202530845-T-C. GRCh37 (hg19) VCF-style: chr2-203395568-T-C.
Other names: NM_001204.7(BMPR2):c.1019T>C; p.Leu340Pro; c.1019T>C (LRG_712t1); short protein forms L340P.
Identifiers: ClinVar variation 425864 (VCV000425864.5), dbSNP rs1085307289, ClinGen allele CA350341382.